The following is an entry in ClinVar:

NM_006904.7(PRKDC):c.11021C>T (p.Ser3674Leu)

Gene: PRKDC (protein kinase, DNA-activated, catalytic subunit; minus strand). Cytogenetic location: 8q11.21.
Variant type: single nucleotide variant.
Coding change: c.11021C>T on transcript NM_006904.7 (MANE Select); coding-DNA position 11021, C replaced by T.
Protein change: p.Ser3674Leu; replaces serine 3674 with leucine.
Molecular consequence: missense variant.
Genome position (GRCh38, 1-based): chr8:47,785,199, G>A on the plus strand (C>T on the coding strand, the complement: PRKDC is on the minus strand). VCF-style: chr8-47785199-G-A. GRCh37 (hg19) VCF-style: chr8-48697760-G-A.
Other names: c.11021C>T, p.Ser3674Leu (NM_001081640.2); short protein forms S3674L.
Identifiers: ClinVar variation 3677774 (VCV003677774.2).

ClinVar aggregate classification (germline): Uncertain significance (1 of 4 stars; one submission).

Conditions:
Severe combined immunodeficiency due to DNA-PKcs deficiency. Also called: IMMUNODEFICIENCY 26 WITH NEUROLOGIC ABNORMALITIES; Immunodeficiency 26 with or without neurologic abnormalities. Identifiers: Orphanet 317425, MedGen C4014833, MONDO:0014423, OMIM 615966.

Submission:

Labcorp Genetics (formerly Invitae), Labcorp
Classification: Uncertain significance for Severe combined immunodeficiency due to DNA-PKcs deficiency. Last evaluated: 2025-05-18. Review status: criteria provided, single submitter. Criteria: Invitae Variant Classification Sherloc (09022015). Collection method: clinical testing. Allele origin: germline.
Comment: This sequence change replaces serine, which is neutral and polar, with leucine, which is neutral and non-polar, at codon 3674 of the PRKDC protein (p.Ser3674Leu). This variant is not present in population databases (gnomAD no frequency). This variant has not been reported in the literature in individuals affected with PRKDC-related conditions. ClinVar contains an entry for this variant (Variation ID: 3677774). Invitae Evidence Modeling of protein sequence and biophysical properties (such as structural, functional, and spatial information, amino acid conservation, physicochemical variation, residue mobility, and thermodynamic stability) indicates that this missense variant is not expected to disrupt PRKDC protein function with a negative predictive value of 80%. In summary, the available evidence is currently insufficient to determine the role of this variant in disease. Therefore, it has been classified as a Variant of Uncertain Significance.